The following is an entry in ClinVar:

NM_000702.4(ATP1A2):c.1106C>A (p.Ser369Tyr)

Gene: ATP1A2 (ATPase Na+/K+ transporting subunit alpha 2; plus strand). Cytogenetic location: 1q23.2.
Variant type: single nucleotide variant.
Coding change: c.1106C>A on transcript NM_000702.4 (MANE Select); coding-DNA position 1106, C replaced by A.
Protein change: p.Ser369Tyr; replaces serine 369 with tyrosine.
Molecular consequence: missense variant.
Genome position (GRCh38, 1-based): chr1:160,128,740, C>A. VCF-style: chr1-160128740-C-A. GRCh37 (hg19) VCF-style: chr1-160098530-C-A.
Other names: short protein forms S369Y.
Identifiers: ClinVar variation 1308546 (VCV001308546.3), dbSNP rs2101989167, ClinGen allele CA343239402.

ClinVar aggregate classification (germline): Uncertain significance (1 of 4 stars; one submission).

Submission:

GeneDx
Classification: Uncertain significance. Last evaluated: 2025-06-06. Review status: criteria provided, single submitter. Criteria: GeneDx Variant Classification Process June 2021. Collection method: clinical testing. Allele origin: germline. Affected: yes.
Comment: Not observed at significant frequency in large population cohorts (gnomAD); In silico analysis supports that this missense variant has a deleterious effect on protein structure/function; Has not been previously published as pathogenic or benign to our knowledge; This variant is associated with the following publications: (PMID: 18184292)